The following is an entry in ClinVar:

ClinVar aggregate classification (germline): Uncertain significance (1 of 4 stars; one submission).

Conditions:
Oculofaciocardiodental syndrome (MCOPS2). Identifiers: Orphanet 2712, MedGen C1846265, MONDO:0010261, OMIM 300166.

Submission:

Labcorp Genetics (formerly Invitae), Labcorp
Classification: Uncertain significance for Oculofaciocardiodental syndrome. Last evaluated: 2025-10-27. Review status: criteria provided, single submitter. Criteria: Invitae Variant Classification Sherloc (09022015). Collection method: clinical testing. Allele origin: germline.
Comment: This sequence change replaces serine, which is neutral and polar, with leucine, which is neutral and non-polar, at codon 1189 of the BCOR protein (p.Ser1189Leu). This variant is present in population databases (no rsID available, gnomAD 0.003%). This variant has not been reported in the literature in individuals affected with BCOR-related conditions. Invitae Evidence Modeling of protein sequence and biophysical properties (such as structural, functional, and spatial information, amino acid conservation, physicochemical variation, residue mobility, and thermodynamic stability) indicates that this missense variant is not expected to disrupt BCOR protein function with a negative predictive value of 80%. In summary, the available evidence is currently insufficient to determine the role of this variant in disease. Therefore, it has been classified as a Variant of Uncertain Significance.

NM_001123385.2(BCOR):c.3668C>T (p.Ser1223Leu)

Gene: BCOR (BCL6 corepressor; minus strand). Cytogenetic location: Xp11.4.
Variant type: single nucleotide variant.
Coding change: c.3668C>T on transcript NM_001123385.2 (MANE Select); coding-DNA position 3668, C replaced by T.
Protein change: p.Ser1223Leu; replaces serine 1223 with leucine.
Molecular consequence: missense variant.
Genome position (GRCh38, 1-based): chrX:40,063,787, G>A on the plus strand (C>T on the coding strand, the complement: BCOR is on the minus strand). VCF-style: chrX-40063787-G-A. GRCh37 (hg19) VCF-style: chrX-39923040-G-A.
Other names: c.3566C>T, p.Ser1189Leu (NM_001123383.2, NM_001438208.1, NM_017745.6); c.3512C>T, p.Ser1171Leu (NM_001123384.2); c.3668C>T, p.Ser1223Leu (NM_001437510.1, NM_001437511.1); c.3614C>T, p.Ser1205Leu (NM_001438207.1); short protein forms S1189L, S1205L, S1171L, S1223L.
Identifiers: ClinVar variation 4774374 (VCV004774374.1).